The following is an entry in ClinVar:

ClinVar aggregate classification (germline): Uncertain significance. Review status: criteria provided, multiple submitters, no conflicts (2 of 4 stars). 2 submissions from 2 submitters: Uncertain significance (2). Last evaluated 2025-02-27.

Conditions:
Inborn genetic diseases. Identifiers: MedGen C0950123, MeSH D030342.

Allele frequency attached by ClinVar (database versions not stated): TOPMed below 0.00001; gnomAD exomes 0.00001.

Submissions (2):

Greenwood Genetic Center Diagnostic Laboratories, Greenwood Genetic Center
Classification: Uncertain significance. Last evaluated: 2025-02-27. Review status: criteria provided, single submitter. Criteria: ACMG Guidelines, 2015. Collection method: clinical testing. Allele origin: germline.
Comment: PM2, PP3

Ambry Genetics
Classification: Uncertain significance for Inborn genetic diseases. Last evaluated: 2022-08-30. Review status: criteria provided, single submitter. Criteria: Ambry Variant Classification Scheme 2023. Collection method: clinical testing. Allele origin: germline.

NM_004429.5(EFNB1):c.814C>T (p.His272Tyr)

Gene: EFNB1 (ephrin B1; plus strand). Cytogenetic location: Xq13.1.
Variant type: single nucleotide variant.
Coding change: c.814C>T on transcript NM_004429.5 (MANE Select); coding-DNA position 814, C replaced by T.
Protein change: p.His272Tyr; replaces histidine 272 with tyrosine.
Molecular consequence: missense variant.
Genome position (GRCh38, 1-based): chrX:68,840,427, C>T. VCF-style: chrX-68840427-C-T. GRCh37 (hg19) VCF-style: chrX-68060270-C-T.
Other names: short protein forms H272Y.
Identifiers: ClinVar variation 2232709 (VCV002232709.3), dbSNP rs2080474384, ClinGen allele CA413438787.